The following is an entry in ClinVar:

NM_014845.6(FIG4):c.350dup (p.Asp118fs)

Gene: FIG4 (FIG4 phosphoinositide 5-phosphatase; plus strand). Cytogenetic location: 6q21.
Variant type: Duplication.
Coding change: c.350dup on transcript NM_014845.6 (MANE Select); coding-DNA position 350, one base duplicated (C; older notation c.350dupC).
Protein change: p.Asp118fs; shifts the reading frame from aspartic acid 118.
Molecular consequence: frameshift variant.
Genome position (GRCh38, 1-based): chr6:109,727,169, C duplicated. VCF-style (leftmost placement, unchanged base first): chr6-109727168-G-GC. GRCh37 (hg19) VCF-style: chr6-110048371-G-GC.
Other names: short protein forms D118fs.
Identifiers: ClinVar variation 5006954 (VCV005006954.2).

ClinVar aggregate classification (germline): Likely pathogenic (1 of 4 stars; one submission).

Conditions:
Bilateral parasagittal parieto-occipital polymicrogyria. Also called: Polymicrogyria, bilateral temporooccipital. Identifiers: Orphanet 208441, MedGen C4013648, MONDO:0012986, OMIM 612691.
Amyotrophic lateral sclerosis type 11 (ALS11). Identifiers: Orphanet 803, MedGen C2675491, MONDO:0012945, OMIM 612577.
Charcot-Marie-Tooth disease type 4J (CMT4J). Also called: Charcot-Marie-Tooth Neuropathy Type 4J; CHARCOT-MARIE-TOOTH DISEASE, DEMYELINATING, TYPE 4J; CHARCOT-MARIE-TOOTH DISEASE, AUTOSOMAL RECESSIVE, TYPE 4J. Identifiers: Orphanet 139515, MedGen C1970011, MONDO:0012640, OMIM 611228.
Yunis-Varon syndrome (YVS). Also called: Cleidocranial dysplasia, micrognathia, absent thumbs, & distal aphalangia. Identifiers: Orphanet 3472, MedGen C1857663, MONDO:0008995, OMIM 216340.

Submission:

Juno Genomics, Hangzhou Juno Genomics, Inc
Classification: Likely pathogenic for Bilateral parasagittal parieto-occipital polymicrogyria; Amyotrophic lateral sclerosis type 11; Charcot-Marie-Tooth disease type 4J; Yunis-Varon syndrome. Review status: criteria provided, single submitter. Criteria: ACMG Guidelines, 2015. Collection method: clinical testing. Allele origin: germline.
Comment: Null variant in a gene where loss of function (LOF) is a known mechanism of disease.;Absent from controls (or at extremely low frequency if recessive) in Genome Aggregation Database.